The following is an entry in ClinVar:

NM_004974.4(KCNA2):c.4A>C (p.Thr2Pro)

Gene: KCNA2 (potassium voltage-gated channel subfamily A member 2; minus strand). Cytogenetic location: 1p13.3.
Variant type: single nucleotide variant.
Coding change: c.4A>C on transcript NM_004974.4 (MANE Select); coding-DNA position 4, A replaced by C.
Protein change: p.Thr2Pro; replaces threonine 2 with proline.
Molecular consequence: missense variant.
Genome position (GRCh38, 1-based): chr1:110,604,779, T>G on the plus strand (A>C on the coding strand, the complement: KCNA2 is on the minus strand). VCF-style: chr1-110604779-T-G. GRCh37 (hg19) VCF-style: chr1-111147401-T-G.
Other names: c.4A>C, p.Thr2Pro (NM_001204269.2); short protein forms T2P.
Identifiers: ClinVar variation 5008314 (VCV005008314.1).

ClinVar aggregate classification (germline): Uncertain significance (1 of 4 stars; one submission).

Submission:

GeneDx
Classification: Uncertain significance. Last evaluated: 2026-03-05. Review status: criteria provided, single submitter. Criteria: GeneDx Variant Classification Process June 2021. Collection method: clinical testing. Allele origin: germline.
Comment: Not observed at significant frequency in large population cohorts (gnomAD); In silico analysis suggests that this missense variant does not alter protein structure/function; Has not been previously published as pathogenic or benign to our knowledge